The following is an entry in ClinVar:

ClinVar aggregate classification (germline): Uncertain significance (1 of 4 stars; one submission).

Conditions:
Intellectual developmental disorder, autosomal dominant 1. Also called: Intellectual disability, autosomal dominant 1; MBD5 Haploinsufficiency. Identifiers: Orphanet 228402, MedGen C1969562, MONDO:0007974, OMIM 156200.

Submission:

Labcorp Genetics (formerly Invitae), Labcorp
Classification: Uncertain significance for Mental retardation, autosomal dominant 1. Last evaluated: 2019-10-25. Review status: criteria provided, single submitter. Criteria: Invitae Variant Classification Sherloc (09022015). Collection method: clinical testing. Allele origin: germline.
Comment: This variant results in a copy number gain of the genomic region encompassing the full coding sequence of the MBD5 gene. The boundaries of this event are unknown as they extend beyond the assayed region for this gene and therefore may encompass additional genes. As the precise location of this event is unknown, it may be in tandem or it may be located elsewhere in the genome. Isolated whole-gene copy number gains of MBD5 have not been reported in the literature. However, larger copy number events with 2q23.1 duplications that include this gene have been reported (PMID: 23632792). In summary, the available evidence is currently insufficient to determine the role of this variant in disease. Therefore, it has been classified as a Variant of Uncertain Significance.

Literature cited by the submitters: PubMed 23632792.

NC_000002.11:g.(?_149216308)_(149270530_?)dup

Gene: MBD5 (methyl-CpG binding domain protein 5; plus strand). Cytogenetic location: 2q23.1.
Variant type: Duplication.
Identifiers: ClinVar variation 583570 (VCV000583570.3).